The following is an entry in ClinVar:

ClinVar aggregate classification (germline): Uncertain significance. Review status: criteria provided, multiple submitters, no conflicts (2 of 4 stars). 3 submissions from 3 submitters: Uncertain significance (3). Last evaluated 2025-07-31.

Conditions:
Thrombomodulin-related bleeding disorder (THPH12). Also called: Thrombophilia due to thrombomodulin defect. Identifiers: Orphanet 436169, MedGen C3280976, MONDO:0013775, OMIM 614486.
Atypical hemolytic-uremic syndrome with thrombomodulin anomaly. Also called: HEMOLYTIC UREMIC SYNDROME, ATYPICAL, SUSCEPTIBILITY TO, 6; AHUS, SUSCEPTIBILITY TO, 6. Identifiers: MedGen C2752036, MONDO:0013044, OMIM 612926. Disease mechanism: gain of function.

Allele frequency attached by ClinVar (database versions not stated): gnomAD exomes 0.00001.
gnomAD v4.1: 11 of 1,553,098 alleles (0.00071%); highest among the groups gnomAD compares: Non-Finnish European, 0.00096%; no homozygotes.

Submissions (3):

Labcorp Genetics (formerly Invitae), Labcorp
Classification: Uncertain significance. Last evaluated: 2025-07-31. Review status: criteria provided, single submitter. Criteria: Invitae Variant Classification Sherloc (09022015). Collection method: clinical testing. Allele origin: germline.
Comment: This sequence change replaces phenylalanine, which is neutral and non-polar, with leucine, which is neutral and non-polar, at codon 17 of the THBD protein (p.Phe17Leu). This variant is not present in population databases (gnomAD no frequency). This variant has not been reported in the literature in individuals affected with THBD-related conditions. ClinVar contains an entry for this variant (Variation ID: 636335). Invitae Evidence Modeling of protein sequence and biophysical properties (such as structural, functional, and spatial information, amino acid conservation, physicochemical variation, residue mobility, and thermodynamic stability) indicates that this missense variant is not expected to disrupt THBD protein function with a negative predictive value of 80%. In summary, the available evidence is currently insufficient to determine the role of this variant in disease. Therefore, it has been classified as a Variant of Uncertain Significance.

Fulgent Genetics
Classification: Uncertain significance for Atypical hemolytic-uremic syndrome with thrombomodulin anomaly; Thrombomodulin-related bleeding disorder. Last evaluated: 2024-03-07. Review status: criteria provided, single submitter. Criteria: ACMG Guidelines, 2015. Collection method: clinical testing. Allele origin: germline.

Blueprint Genetics
Classification: Uncertain significance. Last evaluated: 2017-01-18. Review status: criteria provided, single submitter. Criteria: Blueprint Genetics Variant Classification Scheme. Collection method: clinical testing. Allele origin: germline.

NM_000361.3(THBD):c.49T>C (p.Phe17Leu)

Gene: THBD (thrombomodulin; minus strand). Cytogenetic location: 20p11.21.
Variant type: single nucleotide variant.
Coding change: c.49T>C on transcript NM_000361.3 (MANE Select); coding-DNA position 49, T replaced by C.
Protein change: p.Phe17Leu; replaces phenylalanine 17 with leucine.
Molecular consequence: missense variant.
Genome position (GRCh38, 1-based): chr20:23,049,456, A>G on the plus strand (T>C on the coding strand, the complement: THBD is on the minus strand). VCF-style: chr20-23049456-A-G. GRCh37 (hg19) VCF-style: chr20-23030093-A-G.
Other names: short protein forms F17L.
Identifiers: ClinVar variation 636335 (VCV000636335.6), dbSNP rs1600410618, ClinGen allele CA408408599.